The following is an entry in ClinVar:

ClinVar aggregate classification (germline): Uncertain significance (1 of 4 stars; one submission).

Submission:

Ambry Genetics
Classification: Uncertain significance. Last evaluated: 2023-06-25. Review status: criteria provided, single submitter. Criteria: Ambry Variant Classification Scheme 2023. Collection method: clinical testing. Allele origin: germline.
Comment: The p.T6P variant (also known as c.16A>C), located in coding exon 1 of the FAM175A gene, results from an A to C substitution at nucleotide position 16. The threonine at codon 6 is replaced by proline, an amino acid with highly similar properties. This amino acid position is conserved. In addition, the in silico prediction for this alteration is inconclusive. Since supporting evidence is limited at this time, the clinical significance of this alteration remains unclear.

NM_139076.3(ABRAXAS1):c.16A>C (p.Thr6Pro)

Genes: ABRAXAS1 (abraxas 1, BRCA1 A complex subunit; minus strand), LOC129992784 (ATAC-STARR-seq lymphoblastoid silent region 15542; plus strand). Cytogenetic location: 4q21.23.
Variant type: single nucleotide variant.
Coding change: c.16A>C on transcript NM_139076.3 (MANE Select); coding-DNA position 16, A replaced by C.
Protein change: p.Thr6Pro; replaces threonine 6 with proline.
Molecular consequence: missense variant. On other transcripts: 5 prime UTR variant (1).
Genome position (GRCh38, 1-based): chr4:83,485,057, T>G on the plus strand (A>C on the coding strand, the complement: ABRAXAS1 is on the minus strand). VCF-style: chr4-83485057-T-G. GRCh37 (hg19) VCF-style: chr4-84406210-T-G.
Other names: c.-245A>C (NM_001345962.2); short protein forms T6P.
Identifiers: ClinVar variation 2625940 (VCV002625940.2), dbSNP rs2529473018, ClinGen allele CA357264094.